The following is an entry in ClinVar:

ClinVar aggregate classification (germline): Conflicting classifications of pathogenicity. Review status: criteria provided, conflicting classifications (1 of 4 stars). 2 submissions from 2 submitters: Pathogenic (1); Uncertain significance (1). Last evaluated 2022-03-08.

Conditions:
Severe X-linked myotubular myopathy (CNMX). Also called: MYOTUBULAR MYOPATHY 1; X-linked centronuclear myopathy; Myotubular myopathy, X-linked. Identifiers: Orphanet 596, MedGen C0410203, MONDO:0010683, OMIM 310400.

Submissions (2):

Labcorp Genetics (formerly Invitae), Labcorp
Classification: Uncertain significance for Severe X-linked myotubular myopathy. Last evaluated: 2022-03-08. Review status: criteria provided, single submitter. Criteria: Invitae Variant Classification Sherloc (09022015). Collection method: clinical testing. Allele origin: germline.
Comment: This variant is not present in population databases (gnomAD no frequency). This sequence change replaces serine, which is neutral and polar, with glycine, which is neutral and non-polar, at codon 101 of the MTM1 protein (p.Ser101Gly). This variant has not been reported in the literature in individuals affected with MTM1-related conditions. ClinVar contains an entry for this variant (Variation ID: 158964). Algorithms developed to predict the effect of missense changes on protein structure and function are either unavailable or do not agree on the potential impact of this missense change (SIFT: "Deleterious"; PolyPhen-2: "Probably Damaging"; Align-GVGD: "Class C0"). Algorithms developed to predict the effect of sequence changes on RNA splicing suggest that this variant may create or strengthen a splice site. In summary, the available evidence is currently insufficient to determine the role of this variant in disease. Therefore, it has been classified as a Variant of Uncertain Significance.

Genetic Services Laboratory, University of Chicago
Classification: Pathogenic for Myotubular myopathy, X-linked. Last evaluated: 2013-02-08. Review status: criteria provided, single submitter. Criteria: ACMG Guidelines, 2007. Collection method: clinical testing. Allele origin: germline. Inheritance: X-linked inheritance. Affected: yes.

NM_000252.3(MTM1):c.301A>G (p.Ser101Gly)

Gene: MTM1 (myotubularin 1; plus strand). Cytogenetic location: Xq28.
Variant type: single nucleotide variant.
Coding change: c.301A>G on transcript NM_000252.3 (MANE Select); coding-DNA position 301, A replaced by G.
Protein change: p.Ser101Gly; replaces serine 101 with glycine.
Molecular consequence: missense variant. On other transcripts: intron variant (1).
Genome position (GRCh38, 1-based): chrX:150,614,658, A>G. VCF-style: chrX-150614658-A-G. GRCh37 (hg19) VCF-style: chrX-149783131-A-G.
Other names: c.301A>G, p.Ser101Gly (NM_001376906.1, NM_001376908.1); c.232-4380A>G (NM_001376907.1); short protein forms S101G.
Identifiers: ClinVar variation 158964 (VCV000158964.11), dbSNP rs587783818, ClinGen allele CA271866.
Genomic context (GRCh38, chrX:150,614,658, plus strand): 5'-CTAATACTTGATGTTCCTCTGGGTGTGATCTCGAGAATTGAAAAAATGGGAGGCGCGACA[A>G]GTAGAGGAGAAAATTCCTATGGTCTAGATATTACTTGTAAAGTAAGAGATTCGATACTTT-3'
Protein context (NP_000243.1, residues 91-111): SRIEKMGGAT[Ser101Gly]RGENSYGLDI